The following is an entry in ClinVar:

NM_006314.3(CNKSR1):c.332T>A (p.Val111Asp)

Gene: CNKSR1 (connector enhancer of kinase suppressor of Ras 1; plus strand). Cytogenetic location: 1p36.11.
Variant type: single nucleotide variant.
Coding change: c.332T>A on transcript NM_006314.3 (MANE Select); coding-DNA position 332, T replaced by A.
Protein change: p.Val111Asp; replaces valine 111 with aspartic acid.
Molecular consequence: missense variant. On other transcripts: 5 prime UTR variant (1).
Genome position (GRCh38, 1-based): chr1:26,180,836, T>A. VCF-style: chr1-26180836-T-A. GRCh37 (hg19) VCF-style: chr1-26507327-T-A.
Other names: c.332T>A, p.Val111Asp (NM_001297647.2); c.-438T>A (NM_001297648.2); short protein forms V111D.
Identifiers: ClinVar variation 218682 (VCV000218682.18), dbSNP rs140685957, ClinGen allele CA249400.

ClinVar aggregate classification (germline): Uncertain significance. Review status: criteria provided, multiple submitters, no conflicts (2 of 4 stars). 3 submissions from 3 submitters: Uncertain significance (3). Last evaluated 2024-08-01.

Allele frequency attached by ClinVar (database versions not stated): TOPMed 0.00007; ESP Exome Variant Server 0.00008.

Submissions (3):

CeGaT Center for Human Genetics Tuebingen
Classification: Uncertain significance. Last evaluated: 2024-08-01. Review status: criteria provided, single submitter. Criteria: CeGaT Center For Human Genetics Tuebingen Variant Classification Criteria Version 2. Collection method: clinical testing. Allele origin: germline. Affected: yes. Observed: 1 variant allele.
Comment: CNKSR1: PM2, BP4

Ambry Genetics
Classification: Uncertain significance. Last evaluated: 2021-10-26. Review status: criteria provided, single submitter. Criteria: Ambry Variant Classification Scheme 2023. Collection method: clinical testing. Allele origin: germline.

Genomic Diagnostic Laboratory, Division of Genomic Diagnostics, Children's Hospital of Philadelphia
Classification: Uncertain significance. Last evaluated: 2015-06-05. Review status: criteria provided, single submitter. Criteria: DGD Variant Analysis Guidelines. Collection method: clinical testing. Allele origin: unknown.